The following is an entry in ClinVar:

ClinVar aggregate classification (germline): Uncertain significance (1 of 4 stars; one submission).

Conditions:
Charcot-Marie-Tooth disease axonal type 2O. Also called: CHARCOT-MARIE-TOOTH NEUROPATHY, AXONAL, TYPE 2O; CHARCOT-MARIE-TOOTH DISEASE, AXONAL, AUTOSOMAL DOMINANT, TYPE 2O; Charcot-Marie-Tooth disease, axonal, type 20; Charcot-Marie-Tooth Neuropathy Type 2O. Identifiers: Orphanet 284232, MedGen C3280220, MONDO:0013644, OMIM 614228.

Submission:

Labcorp Genetics (formerly Invitae), Labcorp
Classification: Uncertain significance for Charcot-Marie-Tooth disease axonal type 2O. Last evaluated: 2019-05-20. Review status: criteria provided, single submitter. Criteria: Invitae Variant Classification Sherloc (09022015). Collection method: clinical testing. Allele origin: germline.
Comment: This sequence change replaces tyrosine with asparagine at codon 1019 of the DYNC1H1 protein (p.Tyr1019Asn). The tyrosine residue is highly conserved and there is a large physicochemical difference between tyrosine and asparagine. This variant is not present in population databases (ExAC no frequency). This variant has not been reported in the literature in individuals with DYNC1H1-related conditions. Algorithms developed to predict the effect of missense changes on protein structure and function are either unavailable or do not agree on the potential impact of this missense change (SIFT: "Deleterious"; PolyPhen-2: "Benign"; Align-GVGD: "Class C65"). In summary, the available evidence is currently insufficient to determine the role of this variant in disease. Therefore, it has been classified as a Variant of Uncertain Significance.

NM_001376.5(DYNC1H1):c.3055T>A (p.Tyr1019Asn)

Gene: DYNC1H1 (dynein cytoplasmic 1 heavy chain 1; plus strand). Cytogenetic location: 14q32.31.
Variant type: single nucleotide variant.
Coding change: c.3055T>A on transcript NM_001376.5 (MANE Select); coding-DNA position 3055, T replaced by A.
Protein change: p.Tyr1019Asn; replaces tyrosine 1019 with asparagine.
Molecular consequence: missense variant.
Genome position (GRCh38, 1-based): chr14:101,994,223, T>A. VCF-style: chr14-101994223-T-A. GRCh37 (hg19) VCF-style: chr14-102460560-T-A.
Other names: short protein forms Y1019N.
Identifiers: ClinVar variation 949996 (VCV000949996.9), dbSNP rs2048031484, ClinGen allele CA391032103.